The following is an entry in ClinVar:

ClinVar aggregate classification (germline): Conflicting classifications of pathogenicity. Review status: criteria provided, conflicting classifications (1 of 4 stars). 5 submissions from 5 submitters: Likely pathogenic (3); Uncertain significance (2). Last evaluated 2025-01-27.

Conditions:
Usher syndrome type 2A. Also called: USHER SYNDROME, TYPE IIA; RETINAL DISEASE IN USHER SYNDROME TYPE IIA, MODIFIER OF. Identifiers: Orphanet 231178, Orphanet 886, MedGen C1848634, MONDO:0010169, OMIM 276901.
Retinitis pigmentosa 39 (RP39). Identifiers: Orphanet 791, MedGen C3151138, MONDO:0013436, OMIM 613809.

Allele frequency attached by ClinVar (database versions not stated): ExAC 0.00001.
gnomAD v4.1: 15 of 1,613,922 alleles (0.00093%); highest among the groups gnomAD compares: East Asian, 0.031%; no homozygotes.

Submissions (5):

First Genomix Gene Laboratory, Genetic Diagnostics Department
Classification: Likely pathogenic for Retinitis pigmentosa 39; Usher syndrome type 2A. Last evaluated: 2025-01-27. Review status: criteria provided, single submitter. Criteria: ACMG Guidelines, 2015. Collection method: clinical testing. Allele origin: germline. Inheritance: Autosomal recessive inheritance. Affected: no. Observed: 1 variant allele.

GeneDx
Classification: Uncertain significance. Last evaluated: 2024-11-08. Review status: criteria provided, single submitter. Criteria: GeneDx Variant Classification Process June 2021. Collection method: clinical testing. Allele origin: germline. Affected: yes.
Comment: In silico analysis indicates that this missense variant does not alter protein structure/function; This variant is associated with the following publications: (PMID: 31054281, 32675063, 32188678)

Fulgent Genetics
Classification: Likely pathogenic for Usher syndrome type 2A; Retinitis pigmentosa 39. Last evaluated: 2024-05-31. Review status: criteria provided, single submitter. Criteria: ACMG Guidelines, 2015. Collection method: clinical testing. Allele origin: germline.

Baylor Genetics
Classification: Likely pathogenic for Retinitis pigmentosa 39. Last evaluated: 2024-02-20. Review status: criteria provided, single submitter. Criteria: ACMG Guidelines, 2015. Collection method: clinical testing. Allele origin: unknown.

Blueprint Genetics
Classification: Uncertain significance. Last evaluated: 2022-05-12. Review status: criteria provided, single submitter. Criteria: ACMG Guidelines, 2015. Collection method: clinical testing. Allele origin: germline.

NM_206933.4(USH2A):c.7037A>G (p.His2346Arg)

Gene: USH2A (usherin; minus strand). Cytogenetic location: 1q41.
Variant type: single nucleotide variant.
Coding change: c.7037A>G on transcript NM_206933.4 (MANE Select); coding-DNA position 7037, A replaced by G.
Protein change: p.His2346Arg; replaces histidine 2346 with arginine.
Molecular consequence: missense variant.
Genome position (GRCh38, 1-based): chr1:215,965,400, T>C on the plus strand (A>G on the coding strand, the complement: USH2A is on the minus strand). VCF-style: chr1-215965400-T-C. GRCh37 (hg19) VCF-style: chr1-216138742-T-C.
Other names: c.7037A>G (NM_206933.2); short protein forms H2346R.
Identifiers: ClinVar variation 2679443 (VCV002679443.6), dbSNP rs776390437, ClinGen allele CA1394964.